The following is an entry in ClinVar:

ClinVar aggregate classification (germline): Likely benign (1 of 4 stars; one submission).

Submission:

CeGaT Center for Human Genetics Tuebingen
Classification: Likely benign. Last evaluated: 2024-09-01. Review status: criteria provided, single submitter. Criteria: CeGaT Center For Human Genetics Tuebingen Variant Classification Criteria Version 2. Collection method: clinical testing. Allele origin: germline. Affected: yes. Observed: 1 variant allele.
Comment: LAS1L: BP4, BP7

NM_031206.7(LAS1L):c.381A>C (p.Ser127=)

Gene: LAS1L (LAS1 like ribosome biogenesis factor; minus strand). Cytogenetic location: Xq12.
Variant type: single nucleotide variant.
Coding change: c.381A>C on transcript NM_031206.7 (MANE Select); coding-DNA position 381, A replaced by C.
Protein change: p.Ser127=; no amino-acid change (serine 127 retained).
Molecular consequence: synonymous variant. On other transcripts: non-coding transcript variant (1), 5 prime UTR variant (1).
Genome position (GRCh38, 1-based): chrX:65,532,612, T>G on the plus strand (A>C on the coding strand, the complement: LAS1L is on the minus strand). VCF-style: chrX-65532612-T-G. GRCh37 (hg19) VCF-style: chrX-64752492-T-G.
Other names: c.381A>C, p.Ser127= (NM_001375335.1, NM_001375336.1, NM_001375337.1 and 8 more transcripts); c.255A>C, p.Ser85= (NM_001170650.2); c.-416A>C (NM_001375332.1).
Identifiers: ClinVar variation 3341720 (VCV003341720.16).